The following is an entry in ClinVar:

ClinVar aggregate classification (germline): Uncertain significance. Review status: criteria provided, multiple submitters, no conflicts (2 of 4 stars). 2 submissions from 2 submitters: Uncertain significance (2). Last evaluated 2024-05-31.

Conditions:
Inborn genetic diseases. Identifiers: MedGen C0950123, MeSH D030342.

Allele frequency attached by ClinVar (database versions not stated): gnomAD exomes 0.00001; ESP Exome Variant Server 0.00008; TOPMed 0.00009.
gnomAD v4.1: 25 of 1,612,230 alleles (0.0016%); highest among the groups gnomAD compares: African/African-American, 0.028%; no homozygotes.

Submissions (2):

Labcorp Genetics (formerly Invitae), Labcorp
Classification: Uncertain significance. Last evaluated: 2024-05-31. Review status: criteria provided, single submitter. Criteria: Invitae Variant Classification Sherloc (09022015). Collection method: clinical testing. Allele origin: germline.
Comment: This sequence change replaces methionine, which is neutral and non-polar, with isoleucine, which is neutral and non-polar, at codon 221 of the DSG1 protein (p.Met221Ile). This variant is present in population databases (rs375396241, gnomAD 0.05%). This variant has not been reported in the literature in individuals affected with DSG1-related conditions. ClinVar contains an entry for this variant (Variation ID: 1397646). Advanced modeling of protein sequence and biophysical properties (such as structural, functional, and spatial information, amino acid conservation, physicochemical variation, residue mobility, and thermodynamic stability) performed at Invitae indicates that this missense variant is not expected to disrupt DSG1 protein function with a negative predictive value of 80%. In summary, the available evidence is currently insufficient to determine the role of this variant in disease. Therefore, it has been classified as a Variant of Uncertain Significance.

Ambry Genetics
Classification: Uncertain significance for Inborn genetic diseases. Last evaluated: 2023-04-06. Review status: criteria provided, single submitter. Criteria: Ambry Variant Classification Scheme 2023. Collection method: clinical testing. Allele origin: germline.

NM_001942.4(DSG1):c.663G>T (p.Met221Ile)

Gene: DSG1 (desmoglein 1; plus strand). Cytogenetic location: 18q12.1.
Variant type: single nucleotide variant.
Coding change: c.663G>T on transcript NM_001942.4 (MANE Select); coding-DNA position 663, G replaced by T.
Protein change: p.Met221Ile; replaces methionine 221 with isoleucine.
Molecular consequence: missense variant.
Genome position (GRCh38, 1-based): chr18:31,331,846, G>T. VCF-style: chr18-31331846-G-T. GRCh37 (hg19) VCF-style: chr18-28911809-G-T.
Other names: c.663G>T (NM_001942.2); short protein forms M221I.
Identifiers: ClinVar variation 1397646 (VCV001397646.9), dbSNP rs375396241, ClinGen allele CA8925897.